The following is an entry in ClinVar:

ClinVar aggregate classification (germline): Likely benign. Review status: reviewed by expert panel (3 of 4 stars). 7 submissions from 7 submitters: Likely benign (1). 6 of the submissions do not count toward it. Last evaluated 2024-04-23.

Conditions:
Hereditary cancer-predisposing syndrome. Also called: Tumor predisposition; Hereditary neoplastic syndrome; Neoplastic Syndromes, Hereditary; Hereditary Cancer Syndrome. Identifiers: Orphanet 140162, MedGen C0027672, MeSH D009386, MONDO:0015356.
DICER1-related tumor predisposition. Also called: DICER1-related pleuropulmonary blastoma cancer predisposition syndrome; DICER1 syndrome. Identifiers: Orphanet 284343, MedGen C3839822, MONDO:0100216.
Global developmental delay - lung cysts - overgrowth - Wilms tumor syndrome. Also called: GLOW Syndrome; GLOBAL DEVELOPMENTAL DELAY, LUNG CYSTS, OVERGROWTH, AND WILMS TUMOR. Identifiers: Orphanet 404476, MedGen C4748924, MONDO:0018445, OMIM 618272.

Allele frequency attached by ClinVar (database versions not stated): gnomAD exomes 0.00001; TOPMed 0.00002.
gnomAD v4.1: 7 of 1,613,852 alleles (0.00043%); highest among the groups gnomAD compares: Middle Eastern, 0.017%; no homozygotes.

Submissions (7):

ClinGen DICER1 and miRNA-Processing Gene Variant Curation Expert Panel, ClinGen
Classification: Likely benign for DICER1-related tumor predisposition. Last evaluated: 2024-04-23. Review status: reviewed by expert panel. Criteria: ClinGen DICER1 ACMG Specifications DICER1 V1.3.0. Collection method: curation. Allele origin: germline. Inheritance: Autosomal dominant inheritance.
Comment: The NM_177438.2:c.4376G>A variant in DICER1 is a missense variant predicted to cause substitution of glycine by glutamic acid at amino acid 1459 (p.Gly1459Glu). The total allele frequency in gnomAD v4.1.0 is 0.000004789 (7/1461620 alleles) with a highest population minor allele frequency of 0.00008955 (4/44670alleles) in the Admixed American population (PM2_Supporting, BS1, and BA1 are not met). This variant has been seen in 10 or more unrelated females without tumors through age 50 in at least one testing laboratory (BS2_Supporting; Internal lab contributors). In silico tools predict no damaging impact of the variant on protein function (REVEL: 0.476; SpliceAI and MaxEnt no effect on splicing) (BP4). In summary, this variant meets the criteria to be classified as Likely Benign for DICER1-related tumor predisposition based on the ACMG/AMP criteria applied, as specified by the ClinGen DICER1 VCEP: BS2_Supporting, BP4. (Bayesian Points: -2; VCEP specifications version 1.3.0; 04/23/2024)

Ambry Genetics
Classification: Uncertain significance for Hereditary cancer-predisposing syndrome. Last evaluated: 2026-04-29. Review status: criteria provided, single submitter. Criteria: Ambry Variant Classification Scheme 2023. Collection method: clinical testing. Allele origin: germline. Not counted in ClinVar's aggregate classification.
Comment: The p.G1459E variant (also known as c.4376G>A), located in coding exon 22 of the DICER1 gene, results from a G to A substitution at nucleotide position 4376. The glycine at codon 1459 is replaced by glutamic acid, an amino acid with similar properties. This amino acid position is highly conserved in available vertebrate species. In addition, this alteration is predicted to be deleterious by in silico analysis. Since supporting evidence is limited at this time, the clinical significance of this alteration remains unclear.

Labcorp Genetics (formerly Invitae), Labcorp
Classification: Likely benign for DICER1-related tumor predisposition. Last evaluated: 2025-08-26. Review status: criteria provided, single submitter. Criteria: Invitae Variant Classification Sherloc (09022015). Collection method: clinical testing. Allele origin: germline. Not counted in ClinVar's aggregate classification.

Quest Diagnostics Nichols Institute San Juan Capistrano
Classification: Uncertain significance. Last evaluated: 2024-12-20. Review status: criteria provided, single submitter. Criteria: Quest Diagnostics criteria. Collection method: clinical testing. Allele origin: unknown. Not counted in ClinVar's aggregate classification.
Comment: The DICER1 c.4376G>A (p.Gly1459Glu) variant has not been reported in individuals with DICER1-related conditions in the published literature. The frequency of this variant in the general population (Genome Aggregation Database) is uninformative in the assessment of its pathogenicity. Analysis of this variant using bioinformatics tools for the prediction of the effect of amino acid changes on protein structure and function yielded conflicting predictions that this variant is benign or damaging. Based on the available information, we are unable to determine the clinical significance of this variant.

Baylor Genetics
Classification: Uncertain significance for Global developmental delay - lung cysts - overgrowth - Wilms tumor syndrome. Last evaluated: 2023-09-12. Review status: criteria provided, single submitter. Criteria: ACMG Guidelines, 2015. Collection method: clinical testing. Allele origin: unknown. Not counted in ClinVar's aggregate classification.

GeneDx
Classification: Uncertain significance. Last evaluated: 2022-10-11. Review status: criteria provided, single submitter. Criteria: GeneDx Variant Classification Process June 2021. Collection method: clinical testing. Allele origin: germline. Affected: yes. Not counted in ClinVar's aggregate classification.
Comment: Not observed at significant frequency in large population cohorts (gnomAD); In silico analysis supports that this missense variant does not alter protein structure/function; Has not been previously published as pathogenic or benign to our knowledge

Sema4
Classification: Uncertain significance for Hereditary cancer-predisposing syndrome. Last evaluated: 2021-07-20. Review status: criteria provided, single submitter. Criteria: Sema4 Curation Guidelines. Collection method: curation. Allele origin: germline. Not counted in ClinVar's aggregate classification.
Comment: The DICER1 c.4376G>A (p.G1459E) variant has not been reported in the literature to our knowledge. It was observed in 3/34556 chromosomes of the Latino subpopulation in the large and broad cohorts of the Genome Aggregation Database (PMID: 32461654) and has been reported in ClinVar (Variation ID 543597). Functional studies have not been performed, and in silico predictions of the variant's effect on protein function are inconclusive. The evidence is insufficient to meet ACMG/AMP criteria for classifying the variant as benign or pathogenic. Thus, the clinical significance of this variant is currently uncertain.

NM_177438.3(DICER1):c.4376G>A (p.Gly1459Glu)

Gene: DICER1 (dicer 1, ribonuclease III; minus strand). Cytogenetic location: 14q32.13.
Variant type: single nucleotide variant.
Coding change: c.4376G>A on transcript NM_177438.3 (MANE Select); coding-DNA position 4376, G replaced by A.
Protein change: p.Gly1459Glu; replaces glycine 1459 with glutamic acid.
Molecular consequence: missense variant.
Genome position (GRCh38, 1-based): chr14:95,096,544, C>T on the plus strand (G>A on the coding strand, the complement: DICER1 is on the minus strand). VCF-style: chr14-95096544-C-T. GRCh37 (hg19) VCF-style: chr14-95562881-C-T.
Other names: NM_177438.3(DICER1):c.4376G>A; p.Gly1459Glu; c.4376G>A, p.Gly1459Glu (NM_001195573.1, NM_001271282.3, NM_001291628.2 and 1 more transcripts); short protein forms G1459E.
Identifiers: ClinVar variation 543597 (VCV000543597.22), dbSNP rs1043584252, ClinGen allele CA265898350.